The following is an entry in ClinVar:

ClinVar aggregate classification (germline): Uncertain significance (1 of 4 stars; one submission).

Submission:

Mayo Clinic Laboratories, Mayo Clinic
Classification: Uncertain significance. Last evaluated: 2025-07-15. Review status: criteria provided, single submitter. Criteria: ACMG Guidelines, 2015. Collection method: clinical testing. Allele origin: germline. Observed: 1 variant allele.
Comment: BP4_moderate, PM2_supporting

NM_001365276.2(TNXB):c.844C>G (p.Arg282Gly)

Gene: TNXB (tenascin XB; minus strand). Cytogenetic location: 6p21.33.
Variant type: single nucleotide variant.
Coding change: c.844C>G on transcript NM_001365276.2 (MANE Select); coding-DNA position 844, C replaced by G.
Protein change: p.Arg282Gly; replaces arginine 282 with glycine.
Molecular consequence: missense variant.
Genome position (GRCh38, 1-based): chr6:32,097,009, G>C on the plus strand (C>G on the coding strand, the complement: TNXB is on the minus strand). VCF-style: chr6-32097009-G-C. GRCh37 (hg19) VCF-style: chr6-32064786-G-C.
Other names: p.Arg282Gly; c.844C>G, p.Arg282Gly (NM_001428335.1, NM_019105.8); short protein forms R282G.
Identifiers: ClinVar variation 4541152 (VCV004541152.1).